The following is an entry in ClinVar:

NM_031407.7(HUWE1):c.8208T>G (p.Asp2736Glu)

Gene: HUWE1 (HECT, UBA and WWE domain containing E3 ubiquitin protein ligase 1; minus strand). Cytogenetic location: Xp11.22.
Variant type: single nucleotide variant.
Coding change: c.8208T>G on transcript NM_031407.7 (MANE Select); coding-DNA position 8208, T replaced by G.
Protein change: p.Asp2736Glu; replaces aspartic acid 2736 with glutamic acid.
Molecular consequence: missense variant.
Genome position (GRCh38, 1-based): chrX:53,554,919, A>C on the plus strand (T>G on the coding strand, the complement: HUWE1 is on the minus strand). VCF-style: chrX-53554919-A-C. GRCh37 (hg19) VCF-style: chrX-53581880-A-C.
Other names: short protein forms D2736E.
Identifiers: ClinVar variation 2432666 (VCV002432666.6), dbSNP rs2523554153, ClinGen allele CA413150427.

ClinVar aggregate classification (germline): Uncertain significance. Review status: criteria provided, multiple submitters, no conflicts (2 of 4 stars). 2 submissions from 2 submitters: Uncertain significance (2). Last evaluated 2023-12-02.

Conditions:
Intellectual developmental disorder, X-linked, syndromic, Turner type. Also called: X-linked intellectual disability, Turner type; Intellectual disability, X-linked syndromic, Turner type. Identifiers: Orphanet 3056, Orphanet 85328, MedGen C2678046, MONDO:0010407, OMIM 309590.

Submissions (2):

Labcorp Genetics (formerly Invitae), Labcorp
Classification: Uncertain significance. Last evaluated: 2023-12-02. Review status: criteria provided, single submitter. Criteria: Invitae Variant Classification Sherloc (09022015). Collection method: clinical testing. Allele origin: germline.
Comment: This sequence change replaces aspartic acid, which is acidic and polar, with glutamic acid, which is acidic and polar, at codon 2736 of the HUWE1 protein (p.Asp2736Glu). This variant is not present in population databases (gnomAD no frequency). This variant has not been reported in the literature in individuals affected with HUWE1-related conditions. ClinVar contains an entry for this variant (Variation ID: 2432666). An algorithm developed to predict the effect of missense changes on protein structure and function (PolyPhen-2) suggests that this variant is likely to be tolerated. In summary, the available evidence is currently insufficient to determine the role of this variant in disease. Therefore, it has been classified as a Variant of Uncertain Significance.

Revvity Omics, Revvity
Classification: Uncertain significance for Intellectual developmental disorder, X-linked, syndromic, Turner type. Last evaluated: 2022-10-20. Review status: criteria provided, single submitter. Criteria: ACMG Guidelines, 2015. Collection method: clinical testing. Allele origin: germline.